The following is an entry in ClinVar:

NM_004539.4(NARS1):c.925C>T (p.Pro309Ser)

Gene: NARS1 (asparaginyl-tRNA synthetase 1; minus strand). Cytogenetic location: 18q21.31.
Variant type: single nucleotide variant.
Coding change: c.925C>T on transcript NM_004539.4 (MANE Select); coding-DNA position 925, C replaced by T.
Protein change: p.Pro309Ser; replaces proline 309 with serine.
Molecular consequence: missense variant.
Genome position (GRCh38, 1-based): chr18:57,607,210, G>A on the plus strand (C>T on the coding strand, the complement: NARS1 is on the minus strand). VCF-style: chr18-57607210-G-A. GRCh37 (hg19) VCF-style: chr18-55274442-G-A.
Other names: short protein forms P309S.
Identifiers: ClinVar variation 2631445 (VCV002631445.1), dbSNP rs2511570473, ClinGen allele CA402547323.

ClinVar aggregate classification (germline): Uncertain significance (1 of 4 stars; one submission).

Conditions:
NARS1-related disorder. Also called: NARS1-related condition.

Submission:

PreventionGenetics, part of Exact Sciences
Classification: Uncertain significance for NARS1-related condition. Last evaluated: 2023-07-12. Review status: criteria provided, single submitter. Criteria: ACMG Guidelines, 2015. Collection method: clinical testing. Allele origin: germline.
Comment: The NARS1 c.925C>T variant is predicted to result in the amino acid substitution p.Pro309Ser. To our knowledge, this variant has not been reported in the literature or in a large population database, indicating this variant is rare. At this time, the clinical significance of this variant is uncertain due to the absence of conclusive functional and genetic evidence.